The following is an entry in ClinVar:

ClinVar aggregate classification (germline): Uncertain significance (1 of 4 stars; one submission).

gnomAD v4.1: 7 of 1,614,072 alleles (0.00043%); highest among the groups gnomAD compares: South Asian, 0.0033%; no homozygotes.

Submission:

GeneDx
Classification: Uncertain significance. Last evaluated: 2023-12-13. Review status: criteria provided, single submitter. Criteria: GeneDx Variant Classification Process June 2021. Collection method: clinical testing. Allele origin: germline. Affected: yes.
Comment: Not observed at significant frequency in large population cohorts (gnomAD); Missense variant in a gene in which most reported pathogenic variants are truncating/loss of function; Has not been previously published as pathogenic or benign to our knowledge

NM_001267550.2(TTN):c.3446A>G (p.Asp1149Gly)

Gene: TTN (titin; minus strand). Cytogenetic location: 2q31.2.
Variant type: single nucleotide variant.
Coding change: c.3446A>G on transcript NM_001267550.2 (MANE Select); coding-DNA position 3446, A replaced by G.
Protein change: p.Asp1149Gly; replaces aspartic acid 1149 with glycine.
Molecular consequence: missense variant.
Genome position (GRCh38, 1-based): chr2:178,781,198, T>C on the plus strand (A>G on the coding strand, the complement: TTN is on the minus strand). VCF-style: chr2-178781198-T-C. GRCh37 (hg19) VCF-style: chr2-179645925-T-C.
Other names: c.3446A>G, p.Asp1149Gly (NM_001256850.1, NM_133378.4, NM_133379.5); c.3308A>G, p.Asp1103Gly (NM_003319.4, NM_133432.3, NM_133437.4); short protein forms D1103G, D1149G.
Identifiers: ClinVar variation 3365538 (VCV003365538.1).